The following is an entry in ClinVar:

NM_002470.4(MYH3):c.1102A>T (p.Lys368Ter)

Gene: MYH3 (myosin heavy chain 3; minus strand). Cytogenetic location: 17p13.1.
Variant type: single nucleotide variant.
Coding change: c.1102A>T on transcript NM_002470.4 (MANE Select); coding-DNA position 1102, A replaced by T.
Protein change: p.Lys368Ter; replaces lysine 368 with a stop codon.
Molecular consequence: nonsense.
Genome position (GRCh38, 1-based): chr17:10,645,746, T>A on the plus strand (A>T on the coding strand, the complement: MYH3 is on the minus strand). VCF-style: chr17-10645746-T-A. GRCh37 (hg19) VCF-style: chr17-10549063-T-A.
Other names: short protein forms K368*.
Identifiers: ClinVar variation 504349 (VCV000504349.8), dbSNP rs1555526819, ClinGen allele CA398176165.

ClinVar aggregate classification (germline): Pathogenic. Review status: criteria provided, multiple submitters, no conflicts (2 of 4 stars). 2 submissions from 2 submitters: Pathogenic (2). Last evaluated 2022-10-29.

Submissions (2):

Labcorp Genetics (formerly Invitae), Labcorp
Classification: Pathogenic. Last evaluated: 2022-10-29. Review status: criteria provided, single submitter. Criteria: Invitae Variant Classification Sherloc (09022015). Collection method: clinical testing. Allele origin: germline.
Comment: For these reasons, this variant has been classified as Pathogenic. ClinVar contains an entry for this variant (Variation ID: 504349). This variant has not been reported in the literature in individuals affected with MYH3-related conditions. This variant is not present in population databases (gnomAD no frequency). This sequence change creates a premature translational stop signal (p.Lys368*) in the MYH3 gene. It is expected to result in an absent or disrupted protein product. Loss-of-function variants in MYH3 are known to be pathogenic (PMID: 29805041, 30008475).

GeneDx
Classification: Pathogenic. Last evaluated: 2022-05-23. Review status: criteria provided, single submitter. Criteria: GeneDx Variant Classification Process June 2021. Collection method: clinical testing. Allele origin: germline. Affected: yes.
Comment: Nonsense variant predicted to result in protein truncation or nonsense mediated decay in a gene for which loss of function is a known mechanism of disease; Not observed in large population cohorts (gnomAD); Has not been previously published as pathogenic or benign to our knowledge

Literature cited by the submitters: PubMed 29805041 (cited by Labcorp Genetics (formerly Invitae), Labcorp); PubMed 30008475 (cited by Labcorp Genetics (formerly Invitae), Labcorp).